The following is an entry in ClinVar:

ClinVar aggregate classification (germline): Conflicting classifications of pathogenicity. Review status: criteria provided, conflicting classifications (1 of 4 stars). 5 submissions from 5 submitters: Uncertain significance (1); Benign (3); Likely benign (1). Last evaluated 2025-12-30.

Conditions:
SYNE2-related disorder. Also called: SYNE2-related condition.
Emery-Dreifuss muscular dystrophy 5, autosomal dominant (EDMD5). Also called: EMERY-DREIFUSS MUSCULAR DYSTROPHY 5. Identifiers: Orphanet 261, MedGen C2751805, MONDO:0013072, OMIM 612999.

Allele frequency attached by ClinVar (database versions not stated): ExAC 0.00077; gnomAD 0.00232; ESP Exome Variant Server 0.00261; 1000 Genomes Project 0.00280; 1000 Genomes Project 30x 0.00281; TOPMed 0.00295.
gnomAD v4.1: 704 of 1,614,208 alleles (0.044%); highest among the groups gnomAD compares: African/African-American, 0.83%; 3 homozygotes.

Submissions (5):

Labcorp Genetics (formerly Invitae), Labcorp
Classification: Benign for Emery-Dreifuss muscular dystrophy 5, autosomal dominant. Last evaluated: 2025-12-30. Review status: criteria provided, single submitter. Criteria: Invitae Variant Classification Sherloc (09022015). Collection method: clinical testing. Allele origin: germline.

PreventionGenetics, part of Exact Sciences
Classification: Benign for SYNE2-related condition. Last evaluated: 2025-12-30. Review status: criteria provided, single submitter. Criteria: ACMG Guidelines, 2015. Collection method: clinical testing. Allele origin: germline.
Comment: This variant is classified as benign based on ACMG/AMP sequence variant interpretation guidelines (Richards et al. 2015 PMID: 25741868, with internal and published modifications).

Blueprint Genetics
Classification: Likely benign. Last evaluated: 2024-09-13. Review status: criteria provided, single submitter. Criteria: ACMG Guidelines, 2015. Collection method: clinical testing. Allele origin: germline.

Athena Diagnostics
Classification: Benign. Last evaluated: 2024-08-01. Review status: criteria provided, single submitter. Criteria: Athena Diagnostics Criteria. Collection method: clinical testing. Allele origin: unknown.

Eurofins Ntd Llc (ga)
Classification: Uncertain significance. Last evaluated: 2016-04-21. Review status: criteria provided, single submitter. Criteria: EGL Classification Definitions 2015. Collection method: clinical testing. Allele origin: germline. Observed: 2 variant alleles, 2 heterozygotes.

NM_182914.3(SYNE2):c.16743G>A (p.Thr5581=)

Gene: SYNE2 (spectrin repeat containing nuclear envelope protein 2; plus strand). Cytogenetic location: 14q23.2.
Variant type: single nucleotide variant.
Coding change: c.16743G>A on transcript NM_182914.3 (MANE Select); coding-DNA position 16743, G replaced by A.
Protein change: p.Thr5581=; no amino-acid change (threonine 5581 retained).
Molecular consequence: synonymous variant.
Genome position (GRCh38, 1-based): chr14:64,167,370, G>A. VCF-style: chr14-64167370-G-A. GRCh37 (hg19) VCF-style: chr14-64634088-G-A.
Other names: c.16743G>A, p.Thr5581= (NM_015180.6).
Identifiers: ClinVar variation 286183 (VCV000286183.25), dbSNP rs138769395, ClinGen allele CA7223475.